The following continues an entry in ClinVar:

NM_000303.3(PMM2):c.422G>A (p.Arg141His)

Gene: PMM2. ClinVar aggregate classification (germline): Pathogenic. Pathogenic (54).

Submissions 56 to 69 of 69:

Reproductive Health Research and Development, BGI Genomics
Classification: Pathogenic for Congenital disorder of glycosylation. Last evaluated: 2020-01-06. Review status: no assertion criteria provided. Collection method: curation. Allele origin: germline. Not counted in ClinVar's aggregate classification.
Comment: NM_000303.2:c.422G>A in the PMM2 gene has an allele frequency of 0.008 in European(Finnish) subpopulation in the gnomAD database. Functional studies demonstrate that p.Arg141His has reduced protein stability and enzymatic activity in vitro (PMID: 26014514).It was detected in multiple individuals with autosomal recessive PMM2-CDG, compound heterozygous with c.710C>T (p.Thr237Met), c.484C>T (p.Arg162Trp), c.722G>C (p.Cys241Ser), c.677C>G (p.Thr226Ser) (PMID: 21541725).Taken together, we interprete this variant as Pathogenic/Likely pathogenic. ACMG/AMP criteria applied: PM3_Strong; PS3; PP4

Dobyns Lab, Seattle Children's Research Institute
Classification: Pathogenic for Carbohydrate-deficient glycoprotein syndrome type I. Last evaluated: 2019-02-18. Review status: no assertion criteria provided. Collection method: research. Allele origin: germline. Affected: yes. Observed: 2 variant alleles. Not counted in ClinVar's aggregate classification.

OMIM
Classification: Pathogenic for CONGENITAL DISORDER OF GLYCOSYLATION, TYPE Ia. Last evaluated: 2007-05-01. Review status: no assertion criteria provided. Collection method: literature only. Allele origin: germline. Not counted in ClinVar's aggregate classification.

Clinical Genetics, Academic Medical Center
Classification: Pathogenic. Review status: no assertion criteria provided. Collection method: clinical testing. Allele origin: germline. Affected: yes. Study: VKGL Data-share Consensus. Not counted in ClinVar's aggregate classification.

Department of Pathology and Laboratory Medicine, Sinai Health System
Classification: Pathogenic. Review status: no assertion criteria provided. Collection method: clinical testing. Allele origin: unknown. Affected: yes. Study: The Canadian Open Genetics Repository (COGR). Not counted in ClinVar's aggregate classification.
Comment: The PMM2 p.R141H is one of the most frequent pathogenic variants found to cause congenital disorder of glycosylation type 1a (CDG1a) and is reported in ~40% of European CDG1a cases. This variant has only been found in the compound heterozygous state, suggesting that homozygosity for the p.A141H variant would be lethal (Matthijs_1998_PMID:9497260; Kjaergaard_1998_PMID:9781039). The variant was identified in dbSNP (ID: rs28936415) and ClinVar (classified as pathogenic by Invitae, GeneDx, Ambry Genetics, Laboratory for Molecular Medicine, Genetic Services Laboratory, University of Chicago and 15 other laboratories). The variant was identified in control databases in 891 of 224376 chromosomes at a frequency of 0.003971 (Genome Aggregation Database March 6, 2019, v2.1.1). The variant was observed in the following populations: European (Finnish) in 177 of 21196 chromosomes (freq: 0.008351), Ashkenazi Jewish in 71 of 9376 chromosomes (freq: 0.007573), European (non-Finnish) in 511 of 94084 chromosomes (freq: 0.005431), Other in 27 of 6220 chromosomes (freq: 0.004341), Latino in 64 of 30676 chromosomes (freq: 0.002086), South Asian in 24 of 25492 chromosomes (freq: 0.000942), African in 15 of 20700 chromosomes (freq: 0.000725), and East Asian in 2 of 16632 chromosomes (freq: 0.00012). The variant occurs outside of the splicing consensus sequence and in silico or computational prediction software programs (SpliceSiteFinder, MaxEntScan, NNSPLICE, GeneSplicer) do not predict a difference in splicing. The p.R141 residue is conserved across mammals and other organisms, and four out of five computational analyses (PolyPhen-2, SIFT, AlignGVGD, BLOSUM, MutationTaster) suggest that the variant may impact the protein. Functional studies have demonstrated loss of PMM2 protein activity from the p.R141H variant (Vega_2011_PMID:21541725; Yuste-Checa_2015_PMID:26014514). In summary, based on the above information this variant meets our laboratoryâ€šÃ„Ã´s criteria to be classified as pathogenic.

Diagnostic Laboratory, Department of Genetics, University Medical Center Groningen
Classification: Pathogenic for PMM2-congenital disorder of glycosylation. Review status: no assertion criteria provided. Collection method: clinical testing. Allele origin: germline. Affected: yes. Study: VKGL Data-share Consensus. Not counted in ClinVar's aggregate classification.

GeneReviews
No classification provided. Condition: PMM2-congenital disorder of glycosylation. Review status: no classification provided. Collection method: literature only. Allele origin: unknown. Not counted in ClinVar's aggregate classification.

Joint Genome Diagnostic Labs from Nijmegen and Maastricht, Radboudumc and MUMC+
Classification: Pathogenic. Review status: no assertion criteria provided. Collection method: clinical testing. Allele origin: germline. Affected: yes. Study: VKGL Data-share Consensus. Not counted in ClinVar's aggregate classification.

Laboratory of Diagnostic Genome Analysis, Leiden University Medical Center (LUMC)
Classification: Pathogenic. Review status: no assertion criteria provided. Collection method: clinical testing. Allele origin: germline. Affected: yes. Study: VKGL Data-share Consensus. Not counted in ClinVar's aggregate classification.

NIHR Bioresource Rare Diseases, University of Cambridge
Classification: Likely pathogenic for Diabetes mellitus; Ataxia; Cerebellar hypoplasia; Muscular dystrophy. Review status: no assertion criteria provided. Collection method: research. Allele origin: unknown. Affected: yes. Observed: 1 variant allele. Not counted in ClinVar's aggregate classification.

NIHR Bioresource Rare Diseases, University of Cambridge
Classification: Likely pathogenic for Ataxia. Review status: no assertion criteria provided. Collection method: research. Allele origin: unknown. Affected: yes. Observed: 1 variant allele. Not counted in ClinVar's aggregate classification.

NIHR Bioresource Rare Diseases, University of Cambridge
Classification: Pathogenic for Ataxia; Spasticity; Cerebellar hypoplasia; Cerebral atrophy; Poor speech; Cerebral palsy. Review status: no assertion criteria provided. Collection method: research. Allele origin: unknown. Affected: yes. Observed: 1 variant allele. Not counted in ClinVar's aggregate classification.

Service de Génétique Moléculaire, Hôpital Robert Debré
Classification: Pathogenic for PMM2-congenital disorder of glycosylation. Review status: no assertion criteria provided. Collection method: clinical testing. Allele origin: unknown. Affected: yes. Not counted in ClinVar's aggregate classification.

University of Washington Center for Mendelian Genomics, University of Washington
Classification: Likely pathogenic for Cerebellar hypoplasia. Review status: no assertion criteria provided. Collection method: research. Allele origin: inherited. Affected: yes. Not counted in ClinVar's aggregate classification.

Literature cited by the submitters: PubMed 9497260 (cited by 5 submitters); PubMed 11517108 (cited by 3 submitters); PubMed 19357119 (cited by Labcorp Genetics (formerly Invitae), Labcorp and Dasa); PubMed 21541725 (cited by 10 submitters); PubMed 25355454 (cited by 4 submitters); PubMed 26014514 (cited by 6 submitters); PubMed 28425223 (cited by Natera, Inc.); PubMed 20301289 (cited by 4 submitters); PubMed 9140401 (cited by 11 submitters); PubMed 10527672 (cited by Ambry Genetics and OMIM); PubMed 10854097 (cited by 3 submitters); PubMed 10922383 (cited by 3 submitters); PubMed 11916319 (cited by Ambry Genetics and OMIM); PubMed 16540464 (cited by Ambry Genetics); PubMed 17166182 (cited by Ambry Genetics and OMIM); PubMed 15844218 (cited by 3 submitters); PubMed 11134235 (cited by 4 submitters); PubMed 26488408 (cited by 3 submitters); PubMed 32860008 (cited by Dasa and CENTOGENE GmbH and LLC - Guiding Precision Medicine); PubMed 32581362 (cited by Dasa and NIHR Bioresource Rare Diseases, University of Cambridge); PubMed 31474318 (cited by Dasa and University of Washington Center for Mendelian Genomics, University of Washington); PubMed 28940310 (cited by Dasa); PubMed 28373276 (cited by Dasa); PubMed 25333069 (cited by Dasa); PubMed 22975760 (cited by Dasa); PubMed 21228398 (cited by Dasa); PubMed 11530212 (cited by Dasa); PubMed 10700701 (cited by Dasa); PubMed 9781039 (cited by 5 submitters); PubMed 11058895 (cited by 4 submitters); PubMed 10386614 (cited by Myriad Genetics, Inc. and Illumina Laboratory Services, Illumina); PubMed 24424129 (cited by Molecular Diagnostics Lab, Nemours Children's Health, Delaware); PubMed 30061496 (cited by Molecular Diagnostics Lab, Nemours Children's Health, Delaware); PubMed 11409861 (cited by GeneReviews); PubMed 12244009 (cited by GeneReviews); PubMed 17451957 (cited by GeneReviews); NCBI Bookshelf NBK1110 (cited by GeneReviews).